The following is an entry in ClinVar:

NM_021008.4(DEAF1):c.907C>G (p.Arg303Gly)

Gene: DEAF1 (DEAF1 transcription factor; minus strand). Cytogenetic location: 11p15.5.
Variant type: single nucleotide variant.
Coding change: c.907C>G on transcript NM_021008.4 (MANE Select); coding-DNA position 907, C replaced by G.
Protein change: p.Arg303Gly; replaces arginine 303 with glycine.
Molecular consequence: missense variant. On other transcripts: intron variant (1).
Genome position (GRCh38, 1-based): chr11:681,053, G>C on the plus strand (C>G on the coding strand, the complement: DEAF1 is on the minus strand). VCF-style: chr11-681053-G-C. GRCh37 (hg19) VCF-style: chr11-681053-G-C.
Other names: c.181C>G, p.Arg61Gly (NM_001367390.1, NM_001440885.1, NM_001440886.1 and 1 more transcripts); c.907C>G, p.Arg303Gly (NM_001440883.1, NM_001440884.1); c.731-1237C>G (NM_001293634.2); short protein forms R303G, R61G.
Identifiers: ClinVar variation 4998233 (VCV004998233.1).

ClinVar aggregate classification (germline): Uncertain significance (1 of 4 stars; one submission).

Conditions:
DEAF1-related disorder.

Submission:

PreventionGenetics, part of Exact Sciences
Classification: Uncertain significance for DEAF1-related condition. Last evaluated: 2025-01-07. Review status: criteria provided, single submitter. Criteria: ACMG Guidelines, 2015. Collection method: clinical testing. Allele origin: germline.
Comment: The DEAF1 c.907C>G variant is predicted to result in the amino acid substitution p.Arg303Gly. To our knowledge, this variant has not been reported in the literature or in a large population database (gnomAD), indicating this variant is rare. At this time, the clinical significance of this variant is uncertain due to the absence of conclusive functional and genetic evidence.